The following is an entry in ClinVar:

NM_001127222.2(CACNA1A):c.853A>C (p.Thr285Pro)

Gene: CACNA1A (calcium voltage-gated channel subunit alpha1 A; minus strand). Cytogenetic location: 19p13.13.
Variant type: single nucleotide variant.
Coding change: c.853A>C on transcript NM_001127222.2 (MANE Select); coding-DNA position 853, A replaced by C.
Protein change: p.Thr285Pro; replaces threonine 285 with proline.
Molecular consequence: missense variant.
Genome position (GRCh38, 1-based): chr19:13,359,731, T>G on the plus strand (A>C on the coding strand, the complement: CACNA1A is on the minus strand). VCF-style: chr19-13359731-T-G. GRCh37 (hg19) VCF-style: chr19-13470545-T-G.
Other names: c.853A>C, p.Thr285Pro (NM_000068.4, NM_001127221.2, NM_001174080.2 and 1 more transcripts); short protein forms T285P.
Identifiers: ClinVar variation 1310134 (VCV001310134.2), dbSNP rs2145245518, ClinGen allele CA404347285.
Genomic context (GRCh38, chr19:13,359,731, plus strand): 5'-GGATGTTGTCGAACTGAGTGATCCCGTTGTTGGGCCCTTCCCAGTAGGGCTGACATTTGG[T>G]CCCATTGGGGCAGGTGCGGGCGGGCTCTTCTGTCCCACATGGAGCCGGAGACTCACCCTG-3'
Protein context (NP_001120694.1, residues 275-295): EEPARTCPNG[Thr285Pro]KCQPYWEGPN

ClinVar aggregate classification (germline): Uncertain significance (1 of 4 stars; one submission).

Submission:

GeneDx
Classification: Uncertain significance. Last evaluated: 2019-11-13. Review status: criteria provided, single submitter. Criteria: GeneDx Variant Classification Process June 2021. Collection method: clinical testing. Allele origin: germline. Affected: yes.
Comment: Not observed in large population cohorts (Lek et al., 2016); In silico analysis, which includes protein predictors and evolutionary conservation, supports a deleterious effect; Has not been previously published as pathogenic or benign to our knowledge